The following is an entry in ClinVar:

Conditions:
Breast-ovarian cancer, familial, susceptibility to, 1 (BROVCA1). Also called: BRCA1 Hereditary Breast and Ovarian Cancer; OVARIAN CANCER, SUSCEPTIBILITY TO. Identifiers: Orphanet 145, MedGen C2676676, MONDO:0011450, OMIM 604370. Disease mechanism: loss of function.

Submission:

Brotman Baty Institute, University of Washington
No classification provided (evidence only). Condition: Breast-ovarian cancer, familial 1. Review status: no classification provided. Collection method: in vitro. Allele origin: not applicable. Functional consequence: functionally_normal.
ClinVar note: "not provided" was previously submitted as the classification for the variant. However, the classification appeared to be based only on an observation of functional data so it was converted to no classification on 2025-07-30.

NM_007294.4(BRCA1):c.5311C>A (p.Pro1771Thr)

Gene: BRCA1 (BRCA1 DNA repair associated; minus strand). Cytogenetic location: 17q21.31.
Variant type: single nucleotide variant.
Coding change: c.5311C>A on transcript NM_007294.4 (MANE Select); coding-DNA position 5311, C replaced by A.
Protein change: p.Pro1771Thr; replaces proline 1771 with threonine.
Molecular consequence: missense variant. On other transcripts: non-coding transcript variant (1).
Genome position (GRCh38, 1-based): chr17:43,051,084, G>T on the plus strand (C>A on the coding strand, the complement: BRCA1 is on the minus strand). VCF-style: chr17-43051084-G-T. GRCh37 (hg19) VCF-style: chr17-41203101-G-T.
Other names: c.1885C>A, p.Pro629Thr (NM_001408418.1, NM_001408419.1, NM_001408420.1); c.1882C>A, p.Pro628Thr (NM_001408421.1, NM_001408422.1, NM_001408423.1 and 1 more transcripts); c.1876C>A, p.Pro626Thr (NM_001408434.1, NM_001408435.1, NM_001408436.1 and 10 more transcripts); c.1861C>A, p.Pro621Thr (NM_001408454.1, NM_001408455.1, NM_001408456.1 and 3 more transcripts); c.1858C>A, p.Pro620Thr (NM_001408458.1, NM_001408459.1, NM_001408460.1 and 7 more transcripts); c.1801C>A, p.Pro601Thr (NM_001408474.1); c.1798C>A, p.Pro600Thr (NM_001408475.1, NM_001408476.1); c.1792C>A, p.Pro598Thr (NM_001408478.1, NM_001408479.1, NM_001408480.1); and 72 more; short protein forms P1771T, P1724T, P1792T, P667T, P1474T, P1642T, P1644T, P1659T.
Identifiers: ClinVar variation 868297 (VCV000868297.3), dbSNP rs576727185, ClinGen allele CA10590928.
Genomic context (GRCh38, chr17:43,051,084, plus strand): 5'-GGCTGGTGCTGGAACTCTGGGGTTCTCCCAGGCTCTTACCTGTGGGCATGTTGGTGAAGG[G>T]CCCATAGCAACAGATTTCTAGCCCCCTGAAGATCTGGAAGAAGAGAGGAAGAGAGAGGGA-3'
Protein context (NP_009225.1, residues 1761-1781): FRGLEICCYG[Pro1771Thr]FTNMPTDQLE